The following is an entry in ClinVar:

ClinVar aggregate classification (germline): Uncertain significance (1 of 4 stars; one submission).

Submission:

CeGaT Center for Human Genetics Tuebingen
Classification: Uncertain significance. Last evaluated: 2024-08-01. Review status: criteria provided, single submitter. Criteria: CeGaT Center For Human Genetics Tuebingen Variant Classification Criteria Version 2. Collection method: clinical testing. Allele origin: germline. Affected: yes. Observed: 1 variant allele.
Comment: CDAN1: PM2, PVS1:Moderate

NM_138477.4(CDAN1):c.1057+2T>C

Gene: CDAN1 (codanin 1; minus strand). Cytogenetic location: 15q15.2.
Variant type: single nucleotide variant.
Coding change: c.1057+2T>C on transcript NM_138477.4 (MANE Select); the canonical splice donor site of the intron after coding-DNA position 1057, T replaced by C.
Molecular consequence: splice donor variant.
Genome position (GRCh38, 1-based): chr15:42,735,259, A>G on the plus strand (T>C on the coding strand, the complement: CDAN1 is on the minus strand). VCF-style: chr15-42735259-A-G. GRCh37 (hg19) VCF-style: chr15-43027457-A-G.
Identifiers: ClinVar variation 3341956 (VCV003341956.16).